The following is an entry in ClinVar:

NM_173660.5(DOK7):c.757_772+3del

Genes: DOK7 (docking protein 7; plus strand), LOC129992118 (ATAC-STARR-seq lymphoblastoid silent region 15206; plus strand). Cytogenetic location: 4p16.3.
Variant type: Deletion.
Coding change: c.757_772+3del on transcript NM_173660.5 (MANE Select); coding-DNA position 757 through 3 bases into the intron after coding-DNA position 772, 19 bases deleted (AGGCCGGGCAGTGGAGGTA).
Molecular consequence: splice donor variant.
Genome position (GRCh38, 1-based): chr4:3,489,781-3,489,799, AGGCCGGGCAGTGGAGGTA deleted. VCF-style (leftmost placement, unchanged base first): chr4-3489780-CAGGCCGGGCAGTGGAGGTA-C. GRCh37 (hg19) VCF-style: chr4-3491507-CAGGCCGGGCAGTGGAGGTA-C.
Other names: c.757_772+3del (NM_001301071.2); c.325_340+3del (NM_001363811.2); c.746_761+3del (NM_001164673.2); c.-174_-159+3del (NM_001256896.2).
Identifiers: ClinVar variation 2935573 (VCV002935573.3), dbSNP rs1253289854, ClinGen allele CA549336429.
Genomic context (GRCh38, chr4:3,489,780, plus strand): 5'-CCAGGAAGCCCTGGAAACCCTACAGCTGGAGAAGCGGCTGAGCCTCCTCTCACATGCGGG[CAGGCCGGGCAGTGGAGGTA>C]GGGCCGGGGGCTGACCTGGGCTGTGGGACCTCGGCTAAGCCTCCAGCAGGAGAGCTCAGG-3'

ClinVar aggregate classification (germline): Pathogenic (1 of 4 stars; one submission).

Conditions:
Fetal akinesia deformation sequence 1 (FADS1). Also called: Fetal akinesia sequence; Pena-Shokeir syndrome type I. Identifiers: Orphanet 994, MedGen C1276035, MONDO:0100101, OMIM 208150, HP:0001989.
Congenital myasthenic syndrome 10. Also called: Myasthenia, limb-girdle, familial. Identifiers: Orphanet 590, MedGen C1850792, MONDO:0009690, OMIM 254300.

Allele frequency attached by ClinVar (database versions not stated): gnomAD exomes 0.00001.

Submission:

Labcorp Genetics (formerly Invitae), Labcorp
Classification: Pathogenic for Congenital myasthenic syndrome 10; Fetal akinesia deformation sequence 1. Last evaluated: 2024-01-15. Review status: criteria provided, single submitter. Criteria: Invitae Variant Classification Sherloc (09022015). Collection method: clinical testing. Allele origin: germline.
Comment: This variant results in the deletion of part of exon 6 (c.757_772+3del) of the DOK7 gene. While this variant is not anticipated to result in nonsense mediated decay, it likely alters RNA splicing and results in a disrupted protein product. This variant is present in population databases (no rsID available, gnomAD 0.001%). This variant has not been reported in the literature in individuals affected with DOK7-related conditions. Variants that disrupt the consensus splice site are a relatively common cause of aberrant splicing (PMID: 17576681, 9536098). This variant disrupts a region of the DOK7 protein in which other variant(s) (p.Pro486Argfs*15) have been determined to be pathogenic (PMID: 29118959). This suggests that this is a clinically significant region of the protein, and that variants that disrupt it are likely to be disease-causing. For these reasons, this variant has been classified as Pathogenic.

Literature cited by the submitters: PubMed 17576681; PubMed 9536098; PubMed 29118959.